The following is an entry in ClinVar:

NM_000271.5(NPC1):c.1348A>G (p.Ile450Val)

Gene: NPC1 (NPC intracellular cholesterol transporter 1; minus strand). Cytogenetic location: 18q11.2.
Variant type: single nucleotide variant.
Coding change: c.1348A>G on transcript NM_000271.5 (MANE Select); coding-DNA position 1348, A replaced by G.
Protein change: p.Ile450Val; replaces isoleucine 450 with valine.
Molecular consequence: missense variant.
Genome position (GRCh38, 1-based): chr18:23,554,963, T>C on the plus strand (A>G on the coding strand, the complement: NPC1 is on the minus strand). VCF-style: chr18-23554963-T-C. GRCh37 (hg19) VCF-style: chr18-21134927-T-C.
Other names: p.Ile450Val; c.1348A>G (NM_000271.4); short protein forms I450V.
Identifiers: ClinVar variation 501091 (VCV000501091.16), dbSNP rs141892620, ClinGen allele CA8913479.

ClinVar aggregate classification (germline): Conflicting classifications of pathogenicity. Review status: criteria provided, conflicting classifications (1 of 4 stars). 5 submissions from 5 submitters: Uncertain significance (4); Likely benign (1). Last evaluated 2025-11-13.

Conditions:
Inborn genetic diseases. Identifiers: MedGen C0950123, MeSH D030342.
Niemann-Pick disease, type C1. Also called: NEUROVISCERAL STORAGE DISEASE WITH VERTICAL SUPRANUCLEAR OPHTHALMOPLEGIA; NIEMANN-PICK DISEASE WITH CHOLESTEROL ESTERIFICATION BLOCK; NIEMANN-PICK DISEASE WITHOUT SPHINGOMYELINASE DEFICIENCY; NIEMANN-PICK DISEASE, CHRONIC NEURONOPATHIC FORM; NIEMANN-PICK DISEASE, VARIANT TYPE C1. Identifiers: Orphanet 646, MedGen C3179455, MONDO:0009757, OMIM 257220.

Allele frequency attached by ClinVar (database versions not stated): gnomAD 0.00004 and 0.00005; TOPMed 0.00005; gnomAD exomes 0.00006 and 0.00009; ExAC 0.00013; ESP Exome Variant Server 0.00023.
gnomAD v4.1: 96 of 1,612,702 alleles (0.006%); highest among the groups gnomAD compares: Non-Finnish European, 0.0067%; no homozygotes.

Submissions (5):

Labcorp Genetics (formerly Invitae), Labcorp
Classification: Likely benign for Niemann-Pick disease, type C1. Last evaluated: 2025-11-13. Review status: criteria provided, single submitter. Criteria: Invitae Variant Classification Sherloc (09022015). Collection method: clinical testing. Allele origin: germline.

Ambry Genetics
Classification: Uncertain significance for Inborn genetic diseases. Last evaluated: 2024-11-15. Review status: criteria provided, single submitter. Criteria: Ambry Variant Classification Scheme 2023. Collection method: clinical testing. Allele origin: germline.

GeneDx
Classification: Uncertain significance. Last evaluated: 2023-04-14. Review status: criteria provided, single submitter. Criteria: GeneDx Variant Classification Process June 2021. Collection method: clinical testing. Allele origin: germline. Affected: yes.
Comment: In silico analysis supports that this missense variant does not alter protein structure/function; Has not been previously published as pathogenic or benign to our knowledge

Mayo Clinic Laboratories, Mayo Clinic
Classification: Uncertain significance. Last evaluated: 2023-03-29. Review status: criteria provided, single submitter. Criteria: ACMG Guidelines, 2015. Collection method: clinical testing. Allele origin: germline. Observed: 1 variant allele.

Eurofins Ntd Llc (ga)
Classification: Uncertain significance. Last evaluated: 2018-05-17. Review status: criteria provided, single submitter. Criteria: EGL ClinVar v180209 classification definitions. Collection method: clinical testing. Allele origin: germline. Observed: 2 variant alleles, 2 heterozygotes.

Literature cited by the submitters: PubMed 25764212 (cited by Ambry Genetics).